The following is an entry in ClinVar:

ClinVar aggregate classification (germline): Conflicting classifications of pathogenicity. Review status: criteria provided, conflicting classifications (1 of 4 stars). 2 submissions from 2 submitters: Uncertain significance (1); Likely benign (1). Last evaluated 2025-12-01.

Conditions:
Inborn genetic diseases. Identifiers: MedGen C0950123, MeSH D030342.

Allele frequency attached by ClinVar (database versions not stated): gnomAD exomes 0.00003; ESP Exome Variant Server 0.00008; gnomAD 0.00008; TOPMed 0.00008; ExAC 0.00003.
gnomAD v4.1: 19 of 1,608,118 alleles (0.0012%); highest among the groups gnomAD compares: African/African-American, 0.025%; no homozygotes.

Submissions (2):

Labcorp Genetics (formerly Invitae), Labcorp
Classification: Uncertain significance. Last evaluated: 2025-12-01. Review status: criteria provided, single submitter. Criteria: Invitae Variant Classification Sherloc (09022015). Collection method: clinical testing. Allele origin: germline.
Comment: This sequence change replaces alanine, which is neutral and non-polar, with aspartic acid, which is acidic and polar, at codon 373 of the RORB protein (p.Ala373Asp). This variant is present in population databases (rs140817351, gnomAD 0.04%). This variant has not been reported in the literature in individuals affected with RORB-related conditions. ClinVar contains an entry for this variant (Variation ID: 1371724). An algorithm developed to predict the effect of missense changes on protein structure and function (PolyPhen-2) suggests that this variant is likely to be tolerated. In summary, the available evidence is currently insufficient to determine the role of this variant in disease. Therefore, it has been classified as a Variant of Uncertain Significance.

Ambry Genetics
Classification: Likely benign for Inborn genetic diseases. Last evaluated: 2022-08-16. Review status: criteria provided, single submitter. Criteria: Ambry Variant Classification Scheme 2023. Collection method: clinical testing. Allele origin: germline.

NM_006914.4(RORB):c.1118C>A (p.Ala373Asp)

Gene: RORB (RAR related orphan receptor B; plus strand). Cytogenetic location: 9q21.13.
Variant type: single nucleotide variant.
Coding change: c.1118C>A on transcript NM_006914.4 (MANE Select); coding-DNA position 1118, C replaced by A.
Protein change: p.Ala373Asp; replaces alanine 373 with aspartic acid.
Molecular consequence: missense variant.
Genome position (GRCh38, 1-based): chr9:74,671,795, C>A. VCF-style: chr9-74671795-C-A. GRCh37 (hg19) VCF-style: chr9-77286711-C-A.
Other names: c.1151C>A, p.Ala384Asp (NM_001365023.1); c.1118C>A (NM_006914.3); short protein forms A373D, A384D.
Identifiers: ClinVar variation 1371724 (VCV001371724.9), dbSNP rs140817351, ClinGen allele CA5083553.